The following is an entry in ClinVar:

ClinVar aggregate classification (germline): Uncertain significance. Review status: criteria provided, multiple submitters, no conflicts (2 of 4 stars). 2 submissions from 2 submitters: Uncertain significance (2). Last evaluated 2023-09-04.

Conditions:
Malignant hyperthermia, susceptibility to, 1 (MHS1). Also called: Anesthesia related hyperthermia; Malignant hyperpyrexia; Fulminating hyperpyrexia; Pharmacogenic myopathy; RYR1-Related Malignant Hyperthermia Susceptibility; Malignant hyperthermia suceptibility 1. Identifiers: Orphanet 423, MedGen C2930980, MONDO:0007783, OMIM 145600.

Submissions (2):

All of Us Research Program, National Institutes of Health
Classification: Uncertain significance for Malignant hyperthermia, susceptibility to, 1. Last evaluated: 2023-09-04. Review status: criteria provided, single submitter. Criteria: ACMG Guidelines, 2015. Collection method: clinical testing. Allele origin: germline. Inheritance: Autosomal dominant inheritance. Observed: 1 variant allele, 1 heterozygote.
Comment: This missense variant replaces proline with histidine at codon 1266 of the RYR1 protein. Computational prediction is inconclusive regarding the impact of this variant on protein structure and function (internally defined REVEL score threshold 0.5 < inconclusive < 0.7, PMID: 27666373). To our knowledge, functional studies have not been reported for this variant. This variant has not been reported in individuals affected with RYR1-related disorders in the literature. This variant has not been identified in the general population by the Genome Aggregation Database (gnomAD). The available evidence is insufficient to determine the role of this variant in disease conclusively. Therefore, this variant is classified as a Variant of Uncertain Significance.

This study involves interpretation of variants in research participants for the purpose of population health screening. Participant phenotype was not available at the time of variant classification. Additional details can be found in publication PMID: 35346344, PMCID: PMC8962531

Color Diagnostics, LLC DBA Color Health
Classification: Uncertain significance for Malignant hyperthermia, susceptibility to, 1. Last evaluated: 2023-08-23. Review status: criteria provided, single submitter. Criteria: ACMG Guidelines, 2015. Collection method: clinical testing. Allele origin: germline.
Comment: This missense variant replaces proline with histidine at codon 1266 of the RYR1 protein. Computational prediction is inconclusive regarding the impact of this variant on protein structure and function. To our knowledge, functional studies have not been reported for this variant. This variant has not been reported in individuals affected with RYR1-related disorders in the literature. This variant has not been identified in the general population by the Genome Aggregation Database (gnomAD). The available evidence is insufficient to determine the role of this variant in disease conclusively. Therefore, this variant is classified as a Variant of Uncertain Significance.

NM_000540.3(RYR1):c.3797C>A (p.Pro1266His)

Gene: RYR1 (ryanodine receptor 1; plus strand). Cytogenetic location: 19q13.2.
Variant type: single nucleotide variant.
Coding change: c.3797C>A on transcript NM_000540.3 (MANE Select); coding-DNA position 3797, C replaced by A.
Protein change: p.Pro1266His; replaces proline 1266 with histidine.
Molecular consequence: missense variant.
Genome position (GRCh38, 1-based): chr19:38,473,408, C>A. VCF-style: chr19-38473408-C-A. GRCh37 (hg19) VCF-style: chr19-38964048-C-A.
Other names: c.3797C>A, p.Pro1266His (NM_001042723.2); short protein forms P1266H.
Identifiers: ClinVar variation 3073284 (VCV003073284.2), dbSNP rs2514144360, ClinGen allele CA405641459.